The following is an entry in ClinVar:

NM_016188.5(ACTL6B):c.207C>G (p.Thr69=)

Gene: ACTL6B (actin like 6B; minus strand). Cytogenetic location: 7q22.1.
Variant type: single nucleotide variant.
Coding change: c.207C>G on transcript NM_016188.5 (MANE Select); coding-DNA position 207, C replaced by G.
Protein change: p.Thr69=; no amino-acid change (threonine 69 retained).
Molecular consequence: synonymous variant. On other transcripts: non-coding transcript variant (1).
Genome position (GRCh38, 1-based): chr7:100,655,482, G>C on the plus strand (C>G on the coding strand, the complement: ACTL6B is on the minus strand). VCF-style: chr7-100655482-G-C. GRCh37 (hg19) VCF-style: chr7-100253105-G-C.
Identifiers: ClinVar variation 3049544 (VCV003049544.3), dbSNP rs367833321, ClinGen allele CA4387330.

ClinVar aggregate classification (germline): Likely benign. Review status: criteria provided, single submitter (1 of 4 stars). 2 submissions from 2 submitters: Likely benign (1). 1 of the submissions does not count toward it. Last evaluated 2024-09-06.

Conditions:
ACTL6B-related disorder. Also called: ACTL6B-related condition.

Allele frequency attached by ClinVar (database versions not stated): gnomAD 0.00007; ESP Exome Variant Server 0.00008; TOPMed 0.00009; ExAC 0.00010; gnomAD exomes 0.00014.

Submissions (2):

Blueprint Genetics
Classification: Likely benign. Last evaluated: 2024-09-06. Review status: criteria provided, single submitter. Criteria: ACMG Guidelines, 2015. Collection method: clinical testing. Allele origin: germline.

PreventionGenetics, part of Exact Sciences
Classification: Likely benign for ACTL6B-related condition. Last evaluated: 2019-07-15. Review status: no assertion criteria provided. Collection method: clinical testing. Allele origin: germline. Not counted in ClinVar's aggregate classification.
Comment: This variant is classified as likely benign based on ACMG/AMP sequence variant interpretation guidelines (Richards et al. 2015 PMID: 25741868, with internal and published modifications).